The following is an entry in ClinVar:

ClinVar aggregate classification (germline): Uncertain significance (1 of 4 stars; one submission).

Conditions:
Inborn genetic diseases. Identifiers: MedGen C0950123, MeSH D030342.

Submission:

Ambry Genetics
Classification: Uncertain significance for Inborn genetic diseases. Last evaluated: 2026-05-15. Review status: criteria provided, single submitter. Criteria: Ambry Variant Classification Scheme 2023. Collection method: clinical testing. Allele origin: germline.
Comment: The p.P850A variant (also known as c.2548C>G), located in coding exon 9 of the MECOM gene, results from a C to G substitution at nucleotide position 2548. The proline at codon 850 is replaced by alanine, an amino acid with highly similar properties. This amino acid position is conserved. In addition, the in silico prediction for this alteration is inconclusive. Based on the available evidence, the clinical significance of this variant remains unclear.

NM_004991.4(MECOM):c.2548C>G (p.Pro850Ala)

Gene: MECOM (MDS1 and EVI1 complex locus; minus strand). Cytogenetic location: 3q26.2.
Variant type: single nucleotide variant.
Coding change: c.2548C>G on transcript NM_004991.4 (MANE Select); coding-DNA position 2548, C replaced by G.
Protein change: p.Pro850Ala; replaces proline 850 with alanine.
Molecular consequence: missense variant.
Genome position (GRCh38, 1-based): chr3:169,112,816, G>C on the plus strand (C>G on the coding strand, the complement: MECOM is on the minus strand). VCF-style: chr3-169112816-G-C. GRCh37 (hg19) VCF-style: chr3-168830604-G-C.
Other names: c.1576C>G, p.Pro526Ala (NM_001366473.2); c.1012C>G, p.Pro338Ala (NM_001366474.2); c.1984C>G, p.Pro662Ala (NM_005241.4, NM_001105078.4, NM_001164000.2 and 4 more transcripts); c.2179C>G, p.Pro727Ala (NM_001105077.4); c.1987C>G, p.Pro663Ala (NM_001163999.2, NM_001366467.2, NM_001366468.2 and 1 more transcripts); c.2548C>G, p.Pro850Ala (NM_001366466.2); short protein forms P338A, P526A, P662A, P663A, P727A, P850A.
Identifiers: ClinVar variation 4859786 (VCV004859786.1).
Genomic context (GRCh38, chr3:169,112,816, plus strand): 5'-AAGCTGGAAATCTCAAATCCAAAATACTTACTTGTGGGTGAAACAAGAATCCTGGAGAAG[G>C]CCTCAAGTATTTCTCTTTTAAAGCTTCAAGTGGGTCAGTTAGTTTTCTTTTCTCTACTCT-3'
Protein context (NP_004982.2, residues 840-860): LEALKEKYLR[Pro850Ala]SPGFLFHPQF